The following continues an entry in ClinVar:

NM_000545.8(HNF1A):c.1748G>A (p.Arg583Gln)

Gene: HNF1A. ClinVar aggregate classification (germline): Benign. Benign (1).

Submissions 8 to 14 of 14:

New York Genome Center
Classification: Uncertain significance for Type 1 diabetes mellitus 20; Diabetes mellitus type 1; Type 2 diabetes mellitus; Maturity-onset diabetes of the young type 3. Last evaluated: 2021-12-29. Review status: criteria provided, single submitter. Criteria: NYGC Assertion Criteria 2020. Collection method: clinical testing. Allele origin: germline. Observed: 1 heterozygote. Not counted in ClinVar's aggregate classification.
Comment: The variant has been reported as a Variant of Uncertain Significance in a cohort of 110 patients with maturity-onset diabetes of the young [PMID:32041611]. However, the number of affected individuals with the heterozygous c.1748G>A (p.Arg583Gln) HNF1A variant was not specified [PMID:32041611]. The variant has also been reported in four individuals (out of1,435) without diabetes from a Framingham Heart Study cohort (PMID: 27899486). The variant has 0.0004600 allele frequency (125 heterozygous alleles and no homozygous allele) in the gnomAD database (v2.1.1 and v3.1.2). The variant is reported as a Variant of Uncertain Significance and Likely Benign in the ClinVar database (Variation ID: 14940). The variant affects a moderately conserved residue (Arg583) located in the transactivation domain of the HNF1A protein (PMID:27899486) and is predicted deleterious by multiple in silico prediction tools (CADD score = 23.9, REVEL score = 0.552). In vitro functional analysis suggest that the c.1748G>A (p.Arg583Gln) variant is associated with reduced transcriptional activity and nuclear localization (PMID: 27899486). Based on the available evidence, the heterozygous c.1748G>A (p.Arg583Gln) variant identified in the HNF1A gene is reported as a Variant of Uncertain Significance.

Institute for Clinical Genetics, University Hospital TU Dresden, University Hospital TU Dresden
Classification: Uncertain significance. Last evaluated: 2021-11-03. Review status: criteria provided, single submitter. Criteria: ACMG Guidelines, 2015. Collection method: clinical testing. Allele origin: germline. Not counted in ClinVar's aggregate classification.

Laboratory for Molecular Medicine, Mass General Brigham Personalized Medicine
Classification: Likely benign. Last evaluated: 2020-11-06. Review status: criteria provided, single submitter. Criteria: ACMG Guidelines, 2015. Collection method: clinical testing. Allele origin: germline. Not counted in ClinVar's aggregate classification.
Comment: The p.Arg583Gln variant in HNF1A is classified as likely benign because it has been identified in 0.09% (107/121650) of European chromosomes by gnomAD. In addition, computational prediction tools and conservation analyses suggest that this variant may not impact the protein, though this information is not predictive enough to rule out pathogenicity. This variant has been reported in ClinVar (Variation ID: 14940). ACMG/AMP Criteria applied: BS1_Supporting, BP4.

CeGaT Center for Human Genetics Tuebingen
Classification: Uncertain significance. Last evaluated: 2017-12-01. Review status: criteria provided, single submitter. Criteria: CeGaT Center For Human Genetics Tuebingen Variant Classification Criteria Version 2. Collection method: clinical testing. Allele origin: germline. Affected: yes. Observed: 1 variant allele. Not counted in ClinVar's aggregate classification.

Ambry Genetics
Classification: Likely benign for Maturity-onset diabetes of the young. Last evaluated: 2016-10-27. Review status: criteria provided, single submitter. Criteria: Ambry Variant Classification Scheme 2023. Collection method: clinical testing. Allele origin: germline. Not counted in ClinVar's aggregate classification.

PreventionGenetics, part of Exact Sciences
Classification: Likely benign for HNF1A-related condition. Last evaluated: 2026-08-11. Review status: no assertion criteria provided. Collection method: clinical testing. Allele origin: germline. Not counted in ClinVar's aggregate classification.

OMIM
Classification: Pathogenic for MATURITY-ONSET DIABETES OF THE YOUNG, TYPE 3. Last evaluated: 2002-10-01. Review status: flagged submission. Collection method: literature only. Allele origin: germline. Not counted in ClinVar's aggregate classification.
ClinVar note: Reason: Outlier claim with insufficient supporting evidence

Literature cited by the submitters: PubMed 27899486 (cited by 4 submitters); PubMed 32910913 (cited by ClinGen Monogenic Diabetes Variant Curation Expert Panel and Athena Diagnostics); PubMed 11942313 (cited by Women's Health and Genetics/Laboratory Corporation of America, LabCorp); PubMed 9313764 (cited by Women's Health and Genetics/Laboratory Corporation of America, LabCorp); PubMed 10333057 (cited by Women's Health and Genetics/Laboratory Corporation of America, LabCorp); PubMed 12832318 (cited by Women's Health and Genetics/Laboratory Corporation of America, LabCorp and Athena Diagnostics); PubMed 12355088 (cited by 3 submitters); PubMed 16917892 (cited by Women's Health and Genetics/Laboratory Corporation of America, LabCorp); PubMed 12359128 (cited by Women's Health and Genetics/Laboratory Corporation of America, LabCorp); PubMed 9112026 (cited by Women's Health and Genetics/Laboratory Corporation of America, LabCorp and Athena Diagnostics); PubMed 20393147 (cited by Women's Health and Genetics/Laboratory Corporation of America, LabCorp); PubMed 24097065 (cited by Women's Health and Genetics/Laboratory Corporation of America, LabCorp and Athena Diagnostics); PubMed 32041611 (cited by Athena Diagnostics); PubMed 22517943 (cited by Athena Diagnostics); PubMed 34825797 (cited by Athena Diagnostics); PubMed 28701371 (cited by Athena Diagnostics); PubMed 28453780 (cited by Athena Diagnostics); PubMed 27080136 (cited by Athena Diagnostics).